The following is an entry in ClinVar:

ClinVar aggregate classification (germline): Conflicting classifications of pathogenicity. Review status: criteria provided, conflicting classifications (1 of 4 stars). 2 submissions from 2 submitters: Uncertain significance (1); Likely benign (1). Last evaluated 2025-02-19.

Conditions:
PRDM13-related disorder. Also called: PRDM13-related condition.

Allele frequency attached by ClinVar (database versions not stated): TOPMed 0.00006; 1000 Genomes Project 0.00040; 1000 Genomes Project 30x 0.00047.
gnomAD v4.1: 317 of 1,589,504 alleles (0.02%); highest among the groups gnomAD compares: East Asian, 0.69%; no homozygotes.

Submissions (2):

Labcorp Genetics (formerly Invitae), Labcorp
Classification: Likely benign. Last evaluated: 2025-02-19. Review status: criteria provided, single submitter. Criteria: Invitae Variant Classification Sherloc (09022015). Collection method: clinical testing. Allele origin: germline.

PreventionGenetics, part of Exact Sciences
Classification: Uncertain significance for PRDM13-related condition. Last evaluated: 2024-10-19. Review status: criteria provided, single submitter. Criteria: ACMG Guidelines, 2015. Collection method: clinical testing. Allele origin: germline.
Comment: The PRDM13 c.1310C>T variant is predicted to result in the amino acid substitution p.Pro437Leu. To our knowledge, this variant has not been reported in the literature. This variant is reported in 0.12% of alleles in individuals of East Asian descent in gnomAD. Although we suspect that this variant may be beninign, at this time, the clinical significance of this variant is uncertain due to the absence of conclusive functional and genetic evidence.

NM_021620.4(PRDM13):c.1310C>T (p.Pro437Leu)

Gene: PRDM13 (PR/SET domain 13; plus strand). Cytogenetic location: 6q16.2.
Variant type: single nucleotide variant.
Coding change: c.1310C>T on transcript NM_021620.4 (MANE Select); coding-DNA position 1310, C replaced by T.
Protein change: p.Pro437Leu; replaces proline 437 with leucine.
Molecular consequence: missense variant.
Genome position (GRCh38, 1-based): chr6:99,613,945, C>T. VCF-style: chr6-99613945-C-T. GRCh37 (hg19) VCF-style: chr6-100061821-C-T.
Other names: c.1310C>T (NM_021620.3); short protein forms P437L.
Identifiers: ClinVar variation 1003341 (VCV001003341.10), dbSNP rs200429669, ClinGen allele CA3936353.